The following is an entry in ClinVar:

ClinVar aggregate classification (germline): Uncertain significance (1 of 4 stars; one submission).

Conditions:
Familial intrahepatic cholestasis. Identifiers: Orphanet 284385, MedGen CN296401, MONDO:0017290.

gnomAD v4.1: 8 of 1,614,020 alleles (0.0005%); highest among the groups gnomAD compares: Non-Finnish European, 0.00068%; no homozygotes.

Submission:

Genomenon, Inc
Classification: Uncertain significance for Familial intrahepatic cholestasis. Last evaluated: 2026-04-14. Review status: criteria provided, single submitter. Criteria: Genomenon Sequence Variant Interpretation Standards - Updated. Collection method: curation. Allele origin: germline. Affected: no.
Comment: ATP8B1 p.Cys469Gly (c.1405T>G) is a missense variant that changes the amino acid at residue 469 from Cysteine to Glycine. This variant has been reported in the published literature (PMID:24260417). It is absent or not present at a significant frequency in gnomAD. In silico models predict that this variant is possibly or probably damaging. In conclusion, we classify ATP8B1 p.Cys469Gly (c.1405T>G) as a variant of uncertain significance.

Literature cited by the submitters: PubMed 24260417.

NM_001374385.1(ATP8B1):c.1405T>G (p.Cys469Gly)

Gene: ATP8B1 (ATPase phospholipid transporting 8B1; minus strand). Cytogenetic location: 18q21.31.
Variant type: single nucleotide variant.
Coding change: c.1405T>G on transcript NM_001374385.1 (MANE Select); coding-DNA position 1405, T replaced by G.
Protein change: p.Cys469Gly; replaces cysteine 469 with glycine.
Molecular consequence: missense variant.
Genome position (GRCh38, 1-based): chr18:57,688,323, A>C on the plus strand (T>G on the coding strand, the complement: ATP8B1 is on the minus strand). VCF-style: chr18-57688323-A-C. GRCh37 (hg19) VCF-style: chr18-55355555-A-C.
Other names: c.1255T>G, p.Cys419Gly (NM_001374386.1); c.1405T>G, p.Cys469Gly (NM_005603.6); short protein forms C419G, C469G.
Identifiers: ClinVar variation 4846640 (VCV004846640.1).